The following is an entry in ClinVar:

NM_001999.4(FBN2):c.4594+2T>C

Gene: FBN2 (fibrillin 2; minus strand). Cytogenetic location: 5q23.3.
Variant type: single nucleotide variant.
Coding change: c.4594+2T>C on transcript NM_001999.4 (MANE Select); the canonical splice donor site of the intron after coding-DNA position 4594, T replaced by C.
Molecular consequence: splice donor variant.
Genome position (GRCh38, 1-based): chr5:128,318,877, A>G on the plus strand (T>C on the coding strand, the complement: FBN2 is on the minus strand). VCF-style: chr5-128318877-A-G. GRCh37 (hg19) VCF-style: chr5-127654569-A-G.
Identifiers: ClinVar variation 3338526 (VCV003338526.1).

ClinVar aggregate classification (germline): Likely pathogenic (1 of 4 stars; one submission).

Conditions:
Congenital contractural arachnodactyly (CCA). Also called: BEALS SYNDROME; Arthrogryposis, distal, type 9; Beals-Hecht syndrome. Identifiers: Orphanet 115, MedGen C0220668, MONDO:0007363, OMIM 121050.

Submission:

Greenwood Genetic Center Diagnostic Laboratories, Greenwood Genetic Center
Classification: Likely pathogenic for Congenital contractural arachnodactyly. Last evaluated: 2024-05-24. Review status: criteria provided, single submitter. Criteria: ACMG Guidelines, 2015. Collection method: clinical testing. Allele origin: germline. Affected: yes.
Comment: PVS1_Strong, PM2